The following is an entry in ClinVar:

NM_001292063.2(OTOG):c.8213G>A (p.Arg2738Gln)

Gene: OTOG (otogelin; plus strand). Cytogenetic location: 11p15.1.
Variant type: single nucleotide variant.
Coding change: c.8213G>A on transcript NM_001292063.2 (MANE Select); coding-DNA position 8213, G replaced by A.
Protein change: p.Arg2738Gln; replaces arginine 2738 with glutamine.
Molecular consequence: missense variant.
Genome position (GRCh38, 1-based): chr11:17,641,869, G>A. VCF-style: chr11-17641869-G-A. GRCh37 (hg19) VCF-style: chr11-17663416-G-A.
Other names: c.8249G>A, p.Arg2750Gln (NM_001277269.2); short protein forms R2750Q, R2738Q.
Identifiers: ClinVar variation 226916 (VCV000226916.15), dbSNP rs12422210, ClinGen allele CA5906254.
Genomic context (GRCh38, chr11:17,641,869, plus strand): 5'-GGGCATCTGGCTGAGGCCCACCCCGCCCTGGCCTGTAGAACCAGGAGTACGAGCACCCGC[G>A]GGACCTCGCTGCCTGCTGCGGCTCCTGCAGGAACGTGTCCTGTCTCTTCACCTTCCCCAA-3'
Protein context (NP_001278992.1, residues 2728-2748): CEANQEYEHP[Arg2738Gln]DLAACCGSCR

ClinVar aggregate classification (germline): Benign. Review status: criteria provided, multiple submitters, no conflicts (2 of 4 stars). 5 submissions from 5 submitters: Benign (5). Last evaluated 2026-02-02.

Allele frequency attached by ClinVar (database versions not stated): gnomAD 0.11730 and 0.11601; ExAC 0.15756; gnomAD exomes 0.12888 and 0.16418; TOPMed 0.10884; 1000 Genomes Project 30x 0.08151; 1000 Genomes Project 0.08287.
gnomAD v4.1: 245,789 of 1,548,102 alleles (16%); highest among the groups gnomAD compares: Non-Finnish European, 18%; 21,575 homozygotes.

Submissions (5):

Labcorp Genetics (formerly Invitae), Labcorp
Classification: Benign. Last evaluated: 2026-02-02. Review status: criteria provided, single submitter. Criteria: Invitae Variant Classification Sherloc (09022015). Collection method: clinical testing. Allele origin: germline.

Mayo Clinic Laboratories, Mayo Clinic
Classification: Benign. Last evaluated: 2020-10-20. Review status: criteria provided, single submitter. Criteria: ACMG Guidelines, 2015. Collection method: clinical testing. Allele origin: germline. Observed: 31 variant alleles.

GeneDx
Classification: Benign. Last evaluated: 2017-08-03. Review status: criteria provided, single submitter. Criteria: GeneDx Variant Classification (06012015). Collection method: clinical testing. Allele origin: germline. Affected: yes.
Comment: This variant is considered likely benign or benign based on one or more of the following criteria: it is a conservative change, it occurs at a poorly conserved position in the protein, it is predicted to be benign by multiple in silico algorithms, and/or has population frequency not consistent with disease.

Laboratory for Molecular Medicine, Mass General Brigham Personalized Medicine
Classification: Benign. Last evaluated: 2014-11-24. Review status: criteria provided, single submitter. Criteria: LMM Criteria. Collection method: clinical testing. Allele origin: germline. Observed: 247 variant alleles.
Comment: Arg2750Gln in exon 51 of OTOG: This variant is not expected to have clinical sig nificance because it has been identified in 25.9% (44/170) of European American chromosomes from a broad population by the 1000 Genomes Project (.; dbSNP rs12422210).

Breakthrough Genomics
Classification: Benign. Review status: criteria provided, single submitter. Criteria: ACMG Guidelines, 2015. Collection method: not provided. Allele origin: germline. Inheritance: Autosomal recessive inheritance. Affected: yes.